The following is an entry in ClinVar:

NM_016239.4(MYO15A):c.2055G>T (p.Ser685=)

Gene: MYO15A (myosin XVA; plus strand). Cytogenetic location: 17p11.2.
Variant type: single nucleotide variant.
Coding change: c.2055G>T on transcript NM_016239.4 (MANE Select); coding-DNA position 2055, G replaced by T.
Protein change: p.Ser685=; no amino-acid change (serine 685 retained).
Molecular consequence: synonymous variant.
Genome position (GRCh38, 1-based): chr17:18,120,855, G>T. VCF-style: chr17-18120855-G-T. GRCh37 (hg19) VCF-style: chr17-18024169-G-T.
Identifiers: ClinVar variation 512057 (VCV000512057.1), dbSNP rs912974134, ClinGen allele CA498428661.

ClinVar aggregate classification (germline): Likely benign (1 of 4 stars; one submission).

gnomAD v4.1: 1 of 1,203,794 alleles (0.000083%); highest among the groups gnomAD compares: South Asian, 0.0025%; no homozygotes.

Submission:

GeneDx
Classification: Likely benign. Last evaluated: 2017-09-25. Review status: criteria provided, single submitter. Criteria: GeneDx Variant Classification (06012015). Collection method: clinical testing. Allele origin: germline. Affected: yes.
Comment: This variant is considered likely benign or benign based on one or more of the following criteria: it is a conservative change, it occurs at a poorly conserved position in the protein, it is predicted to be benign by multiple in silico algorithms, and/or has population frequency not consistent with disease.